The following is an entry in ClinVar:

NM_014679.5(CEP57):c.14C>T (p.Ser5Phe)

Genes: CEP57 (centrosomal protein 57; plus strand), LOC130006618 (ATAC-STARR-seq lymphoblastoid active region 5417; plus strand). Cytogenetic location: 11q21.
Variant type: single nucleotide variant.
Coding change: c.14C>T on transcript NM_014679.5 (MANE Select); coding-DNA position 14, C replaced by T.
Protein change: p.Ser5Phe; replaces serine 5 with phenylalanine.
Molecular consequence: missense variant. On other transcripts: 5 prime UTR variant (7), intron variant (1).
Genome position (GRCh38, 1-based): chr11:95,790,712, C>T. VCF-style: chr11-95790712-C-T. GRCh37 (hg19) VCF-style: chr11-95523876-C-T.
Other names: c.-58C>T (NM_001243776.2); c.14C>T, p.Ser5Phe (NM_001243777.2, NM_001440871.1, NM_001440872.1 and 6 more transcripts); c.-381C>T (NM_001363604.2, NM_001440877.1); c.-63C>T (NM_001440870.1, NM_001440875.1, NM_001440878.1 and 1 more transcripts); c.-37+570C>T (NM_001440869.1); short protein forms S5F.
Identifiers: ClinVar variation 4613737 (VCV004613737.1).
Genomic context (GRCh38, chr11:95,790,712, plus strand): 5'-ACCTAGACCGCCCCCGAAGTGCGGAGACCCCCTGGGCAGGCTGAAAGATGGCGGCGGCGT[C>T]TGTCTCTGCGGCTTCTGGTTCTCACTTGTCGGTAAGAAGCAGTTGGCGCGAGTGGGCCCC-3'
Protein context (NP_055494.2, residues 1-15): MAAA[Ser5Phe]VSAASGSHLS

ClinVar aggregate classification (germline): Uncertain significance (1 of 4 stars; one submission).

Conditions:
Inborn genetic diseases. Identifiers: MedGen C0950123, MeSH D030342.

Submission:

Ambry Genetics
Classification: Uncertain significance for Inborn genetic diseases. Last evaluated: 2025-12-06. Review status: criteria provided, single submitter. Criteria: Ambry Variant Classification Scheme 2023. Collection method: clinical testing. Allele origin: germline.
Comment: The p.S5F variant (also known as c.14C>T), located in coding exon 1 of the CEP57 gene, results from a C to T substitution at nucleotide position 14. The serine at codon 5 is replaced by phenylalanine, an amino acid with highly dissimilar properties. This amino acid position is conserved. In addition, this alteration is predicted to be tolerated by in silico analysis. Based on the available evidence, the clinical significance of this variant remains unclear.